The following is an entry in ClinVar:

ClinVar aggregate classification (germline): Uncertain significance. Review status: criteria provided, multiple submitters, no conflicts (2 of 4 stars). 2 submissions from 2 submitters: Uncertain significance (2). Last evaluated 2025-08-07.

Conditions:
Baller-Gerold syndrome (BGS). Also called: CRANIOSYNOSTOSIS WITH RADIAL DEFECTS. Identifiers: Orphanet 1225, MedGen C0265308, MONDO:0009039, OMIM 218600.
Inborn genetic diseases. Identifiers: MedGen C0950123, MeSH D030342.

gnomAD v4.1: 1 of 1,612,590 alleles (0.000062%); highest among the groups gnomAD compares: African/African-American, 0.0013%; no homozygotes.

Submissions (2):

Ambry Genetics
Classification: Uncertain significance for Inborn genetic diseases. Last evaluated: 2025-08-07. Review status: criteria provided, single submitter. Criteria: Ambry Variant Classification Scheme 2023. Collection method: clinical testing. Allele origin: germline.
Comment: The p.P953T variant (also known as c.2857C>A), located in coding exon 16 of the RECQL4 gene, results from a C to A substitution at nucleotide position 2857. The proline at codon 953 is replaced by threonine, an amino acid with highly similar properties. This amino acid position is conserved. Based on the available evidence, the clinical significance of this variant remains unclear.

Labcorp Genetics (formerly Invitae), Labcorp
Classification: Uncertain significance for Baller-Gerold syndrome. Last evaluated: 2023-06-02. Review status: criteria provided, single submitter. Criteria: Invitae Variant Classification Sherloc (09022015). Collection method: clinical testing. Allele origin: germline.
Comment: This variant is not present in population databases (gnomAD no frequency). This variant has not been reported in the literature in individuals affected with RECQL4-related conditions. Advanced modeling of protein sequence and biophysical properties (such as structural, functional, and spatial information, amino acid conservation, physicochemical variation, residue mobility, and thermodynamic stability) performed at Invitae indicates that this missense variant is not expected to disrupt RECQL4 protein function. In summary, the available evidence is currently insufficient to determine the role of this variant in disease. Therefore, it has been classified as a Variant of Uncertain Significance. This sequence change replaces proline, which is neutral and non-polar, with threonine, which is neutral and polar, at codon 953 of the RECQL4 protein (p.Pro953Thr).

NM_004260.4(RECQL4):c.2857C>A (p.Pro953Thr)

Gene: RECQL4 (RecQ like helicase 4; minus strand). Cytogenetic location: 8q24.3.
Variant type: single nucleotide variant.
Coding change: c.2857C>A on transcript NM_004260.4 (MANE Select); coding-DNA position 2857, C replaced by A.
Protein change: p.Pro953Thr; replaces proline 953 with threonine.
Molecular consequence: missense variant. On other transcripts: non-coding transcript variant (3).
Genome position (GRCh38, 1-based): chr8:144,512,670, G>T on the plus strand (C>A on the coding strand, the complement: RECQL4 is on the minus strand). VCF-style: chr8-144512670-G-T. GRCh37 (hg19) VCF-style: chr8-145738053-G-T.
Other names: c.2563C>A, p.Pro855Thr (NM_001413017.1); c.2659C>A, p.Pro887Thr (NM_001413018.1); c.2932C>A, p.Pro978Thr (NM_001413019.1); c.2761C>A, p.Pro921Thr (NM_001413020.1); c.1786C>A, p.Pro596Thr (NM_001413021.1, NM_001413022.1, NM_001413024.1 and 4 more transcripts); c.1861C>A, p.Pro621Thr (NM_001413023.1); c.2728C>A, p.Pro910Thr (NM_001413025.1); c.1720C>A, p.Pro574Thr (NM_001413027.1, NM_001413030.1, NM_001413032.1); and 10 more; short protein forms P530T, P621T, P855T, P910T, P943T, P887T, P909T, P921T.
Identifiers: ClinVar variation 2756699 (VCV002756699.4), dbSNP rs2130666187, ClinGen allele CA372673982.